The following is an entry in ClinVar:

NM_001127208.3(TET2):c.4021dup (p.Ala1341fs)

Genes: TET2 (tet methylcytosine dioxygenase 2; plus strand), TET2-AS1 (TET2 antisense RNA 1; minus strand). Cytogenetic location: 4q24.
Variant type: Duplication.
Coding change: c.4021dup on transcript NM_001127208.3 (MANE Select); coding-DNA position 4021, one base duplicated (G; older notation c.4021dupG).
Protein change: p.Ala1341fs; shifts the reading frame from alanine 1341.
Molecular consequence: frameshift variant.
Genome position (GRCh38, 1-based): chr4:105,261,825, G duplicated. VCF-style (leftmost placement, unchanged base first): chr4-105261824-T-TG. GRCh37 (hg19) VCF-style: chr4-106182981-T-TG.
Other names: short protein forms A1341fs.
Identifiers: ClinVar variation 4712182 (VCV004712182.1).

ClinVar aggregate classification (germline): Pathogenic (1 of 4 stars; one submission).

Submission:

Labcorp Genetics (formerly Invitae), Labcorp
Classification: Pathogenic. Last evaluated: 2025-02-02. Review status: criteria provided, single submitter. Criteria: Invitae Variant Classification Sherloc (09022015). Collection method: clinical testing. Allele origin: germline.
Comment: This sequence change creates a premature translational stop signal (p.Ala1341Glyfs*3) in the TET2 gene. It is expected to result in an absent or disrupted protein product. Loss-of-function variants in TET2 are known to be pathogenic (PMID: 36066697). This variant is not present in population databases (gnomAD no frequency). This variant has not been reported in the literature in individuals affected with TET2-related conditions. For these reasons, this variant has been classified as Pathogenic.

Literature cited by the submitters: PubMed 36066697.